The following is an entry in ClinVar:

ClinVar aggregate classification (germline): Uncertain significance (1 of 4 stars; one submission).

Conditions:
Cardiovascular phenotype. Identifiers: MedGen CN230736.

Allele frequency attached by ClinVar (database versions not stated): gnomAD exomes below 0.00001.
gnomAD v4.1: 1 of 1,613,920 alleles (0.000062%); highest among the groups gnomAD compares: African/African-American, 0.0013%; no homozygotes.

Submission:

Ambry Genetics
Classification: Uncertain significance for Cardiovascular phenotype. Last evaluated: 2019-05-24. Review status: criteria provided, single submitter. Criteria: Ambry Variant Classification Scheme 2023. Collection method: clinical testing. Allele origin: germline.
Comment: The c.5791-2A>T intronic variant results from an A to T substitution two nucleotides upstream from coding exon 38 in the MYH7 gene. This nucleotide position is highly conserved in available vertebrate species. Using the BDGP and ESEfinder splice site prediction tools, this alteration is predicted to abolish the native splice donor site; however, direct evidence is unavailable. Alterations that disrupt the canonical splice site are expected to cause aberrant splicing, resulting in an abnormal protein or a transcript that is subject to nonsense-mediated mRNA decay. However, loss of function of MYH7 has not been clearly established as a mechanism of disease. Since supporting evidence is limited at this time, the clinical significance of this alteration remains unclear.

NM_000257.4(MYH7):c.5791-2A>T

Gene: MYH7 (myosin heavy chain 7; minus strand). Cytogenetic location: 14q11.2.
Variant type: single nucleotide variant.
Coding change: c.5791-2A>T on transcript NM_000257.4 (MANE Select); the canonical splice acceptor site of the intron before coding-DNA position 5791, A replaced by T.
Molecular consequence: splice acceptor variant.
Genome position (GRCh38, 1-based): chr14:23,412,873, T>A on the plus strand (A>T on the coding strand, the complement: MYH7 is on the minus strand). VCF-style: chr14-23412873-T-A. GRCh37 (hg19) VCF-style: chr14-23882082-T-A.
Other names: c.5791-2A>T (NM_001407004.1).
Identifiers: ClinVar variation 1749667 (VCV001749667.2), dbSNP rs1333693269, ClinGen allele CA389033445.